The following is an entry in ClinVar:

ClinVar aggregate classification (germline): Pathogenic. Review status: criteria provided, single submitter (1 of 4 stars). 2 submissions from 2 submitters: Pathogenic (1). 1 of the submissions does not count toward it. Last evaluated 2024-04-15.

Conditions:
Fanconi anemia complementation group A (FANCA). Also called: Fanconi anemia, group A; FANCA-Related Fanconi Anemia. Identifiers: Orphanet 84, MedGen C3469521, MONDO:0009215, OMIM 227650.

Submissions (2):

Mayo Clinic Laboratories, Mayo Clinic
Classification: Pathogenic. Last evaluated: 2024-04-15. Review status: criteria provided, single submitter. Criteria: ACMG Guidelines, 2015. Collection method: clinical testing. Allele origin: germline. Observed: 1 variant allele.
Comment: PM2, PM3, PVS1

Leiden Open Variation Database
Classification: Pathogenic for Fanconi anemia complementation group A. Last evaluated: 2020-02-28. Review status: no assertion criteria provided. Collection method: curation. Allele origin: germline. Affected: yes. Not counted in ClinVar's aggregate classification.
Comment: Curator: Arleen D. Auerbach. Submitter to LOVD: Johan de Winter.

Literature cited by the submitters: PubMed 22778927 (cited by Mayo Clinic Laboratories, Mayo Clinic and Leiden Open Variation Database).

NM_000135.4(FANCA):c.851dup (p.Val285fs)

Gene: FANCA (FA complementation group A; minus strand). Cytogenetic location: 16q24.3.
Variant type: Duplication.
Coding change: c.851dup on transcript NM_000135.4 (MANE Select); coding-DNA position 851, one base duplicated (G; older notation c.851dupG).
Protein change: p.Val285fs; shifts the reading frame from valine 285.
Molecular consequence: frameshift variant.
Genome position (GRCh38, 1-based): chr16:89,799,208, C duplicated on the plus strand (G on the coding strand, the reverse complement: FANCA is on the minus strand); the first of 2 consecutive C bases (chr16:89,799,208-89,799,209); duplicating either gives the same sequence. VCF-style (leftmost placement, unchanged base first): chr16-89799207-T-TC. GRCh37 (hg19) VCF-style: chr16-89865615-T-TC.
Other names: p.Val285Serfs*54; c.851dup, p.Val285fs (NM_001018112.3, NM_001286167.3); c.755dup, p.Val253fs (NM_001351830.2); short protein forms V253fs, V285fs.
Identifiers: ClinVar variation 974201 (VCV000974201.2), dbSNP rs1369685302, ClinGen allele CA624267418.